The following is an entry in ClinVar:

NM_001005388.3(NFASC):c.3227G>A (p.Arg1076Gln)

Gene: NFASC (neurofascin; plus strand). Cytogenetic location: 1q32.1.
Variant type: single nucleotide variant.
Coding change: c.3227G>A on transcript NM_001005388.3 (MANE Select); coding-DNA position 3227, G replaced by A.
Protein change: p.Arg1076Gln; replaces arginine 1076 with glutamine.
Molecular consequence: missense variant. On other transcripts: intron variant (4).
Genome position (GRCh38, 1-based): chr1:205,002,686, G>A. VCF-style: chr1-205002686-G-A. GRCh37 (hg19) VCF-style: chr1-204971814-G-A.
Other names: c.3548G>A, p.Arg1183Gln (NM_001378329.1); c.3092-6871G>A (NM_001160332.2); c.3077-6871G>A (NM_015090.4); c.2756-6871G>A (NM_001365986.1); c.3137-6871G>A (NM_001160331.2); short protein forms R1076Q, R1183Q.
Identifiers: ClinVar variation 4813398 (VCV004813398.1).

ClinVar aggregate classification (germline): Uncertain significance (1 of 4 stars; one submission).

gnomAD v4.1: 31 of 1,584,074 alleles (0.002%); highest among the groups gnomAD compares: Non-Finnish European, 0.0026%; no homozygotes.

Submission:

GeneDx
Classification: Uncertain significance. Last evaluated: 2025-09-10. Review status: criteria provided, single submitter. Criteria: GeneDx Variant Classification Process June 2021. Collection method: clinical testing. Allele origin: germline. Affected: yes.
Comment: Not observed at significant frequency in large population cohorts (gnomAD); In silico analysis suggests that this missense variant does not alter protein structure/function; Has not been previously published as pathogenic or benign to our knowledge; Reported using an alternate transcript of the gene